The following is an entry in ClinVar:

ClinVar aggregate classification (germline): Uncertain significance (1 of 4 stars; one submission).

Conditions:
Nemaline myopathy 6 (NEM6). Also called: Nemaline myopathy 6, autosomal dominant. Identifiers: Orphanet 171439, MedGen C1836472, MONDO:0012237, OMIM 609273.

Submission:

Labcorp Genetics (formerly Invitae), Labcorp
Classification: Uncertain significance for Nemaline myopathy 6. Last evaluated: 2024-02-28. Review status: criteria provided, single submitter. Criteria: Invitae Variant Classification Sherloc (09022015). Collection method: clinical testing. Allele origin: germline.
Comment: This sequence change affects codon 274 of the KBTBD13 mRNA. It is a 'silent' change, meaning that it does not change the encoded amino acid sequence of the KBTBD13 protein. This variant is not present in population databases (gnomAD no frequency). This variant has not been reported in the literature in individuals affected with KBTBD13-related conditions. Experimental studies and prediction algorithms are not available or were not evaluated, and the effect of this variant on mRNA splicing is currently unknown. In summary, the available evidence is currently insufficient to determine the role of this variant in disease. Therefore, it has been classified as a Variant of Uncertain Significance.

NM_001101362.3(KBTBD13):c.822C>G (p.Ser274=)

Gene: KBTBD13 (kelch repeat and BTB domain containing 13; plus strand). Cytogenetic location: 15q22.31.
Variant type: single nucleotide variant.
Coding change: c.822C>G on transcript NM_001101362.3 (MANE Select); coding-DNA position 822, C replaced by G.
Protein change: p.Ser274=; no amino-acid change (serine 274 retained).
Molecular consequence: synonymous variant.
Genome position (GRCh38, 1-based): chr15:65,077,637, C>G. VCF-style: chr15-65077637-C-G. GRCh37 (hg19) VCF-style: chr15-65369975-C-G.
Identifiers: ClinVar variation 3676939 (VCV003676939.2).